The following is an entry in ClinVar:

ClinVar aggregate classification (germline): Benign/Likely benign. Review status: criteria provided, multiple submitters, no conflicts (2 of 4 stars). 6 submissions from 6 submitters: Benign (1); Likely benign (4). 1 of the submissions does not count toward it. Last evaluated 2025-11-01.

Conditions:
Inborn genetic diseases. Identifiers: MedGen C0950123, MeSH D030342.
Early-infantile DEE. Also called: Ohtahara syndrome; Early infantile epileptic encephalopathy; Early infantile epileptic encephalopathy with suppression bursts. Identifiers: Orphanet 1934, MedGen C0393706, MONDO:0800491.
SCN8A-related disorder.

Allele frequency attached by ClinVar (database versions not stated): gnomAD exomes 0.00002 and 0.00001; TOPMed 0.00003; ExAC 0.00001; gnomAD 0.00001.
gnomAD v4.1: 24 of 1,613,024 alleles (0.0015%); highest among the groups gnomAD compares: Non-Finnish European, 0.0019%; no homozygotes.

Submissions (6):

CeGaT Center for Human Genetics Tuebingen
Classification: Likely benign. Last evaluated: 2025-11-01. Review status: criteria provided, single submitter. Criteria: CeGaT Center For Human Genetics Tuebingen Variant Classification Criteria Version 2. Collection method: clinical testing. Allele origin: germline. Affected: yes. Observed: 1 variant allele.
Comment: SCN8A: BP4, BP7

Labcorp Genetics (formerly Invitae), Labcorp
Classification: Likely benign for Early-infantile DEE. Last evaluated: 2025-07-08. Review status: criteria provided, single submitter. Criteria: Invitae Variant Classification Sherloc (09022015). Collection method: clinical testing. Allele origin: germline.

Blueprint Genetics
Classification: Likely benign. Last evaluated: 2020-03-05. Review status: criteria provided, single submitter. Criteria: ACMG Guidelines, 2015. Collection method: clinical testing. Allele origin: germline.

Ambry Genetics
Classification: Likely benign for Inborn genetic diseases. Last evaluated: 2018-01-19. Review status: criteria provided, single submitter. Criteria: Ambry Variant Classification Scheme 2023. Collection method: clinical testing. Allele origin: germline.

GeneDx
Classification: Benign. Last evaluated: 2014-09-19. Review status: criteria provided, single submitter. Criteria: GeneDx Variant Classification (06012015). Collection method: clinical testing. Allele origin: germline. Affected: yes.
Comment: This variant is considered likely benign or benign based on one or more of the following criteria: it is a conservative change, it occurs at a poorly conserved position in the protein, it is predicted to be benign by multiple in silico algorithms, and/or has population frequency not consistent with disease.

PreventionGenetics, part of Exact Sciences
Classification: Likely benign for SCN8A-related condition. Last evaluated: 2019-04-15. Review status: no assertion criteria provided. Collection method: clinical testing. Allele origin: germline. Not counted in ClinVar's aggregate classification.
Comment: This variant is classified as likely benign based on ACMG/AMP sequence variant interpretation guidelines (Richards et al. 2015 PMID: 25741868, with internal and published modifications).

NM_001330260.2(SCN8A):c.4218T>C (p.Leu1406=)

Gene: SCN8A (sodium voltage-gated channel alpha subunit 8; plus strand). Cytogenetic location: 12q13.13.
Variant type: single nucleotide variant.
Coding change: c.4218T>C on transcript NM_001330260.2 (MANE Select); coding-DNA position 4218, T replaced by C.
Protein change: p.Leu1406=; no amino-acid change (leucine 1406 retained).
Molecular consequence: synonymous variant.
Genome position (GRCh38, 1-based): chr12:51,786,817, T>C. VCF-style: chr12-51786817-T-C. GRCh37 (hg19) VCF-style: chr12-52180601-T-C.
Other names: p.L1406L:CTT>CTC; c.4095T>C, p.Leu1365= (NM_001177984.3, NM_001369788.1); c.4218T>C, p.Leu1406= (NM_014191.4).
Identifiers: ClinVar variation 207101 (VCV000207101.24), dbSNP rs768214178, ClinGen allele CA318241.